The following is an entry in ClinVar:

ClinVar aggregate classification (germline): Benign/Likely benign. Review status: criteria provided, multiple submitters, no conflicts (2 of 4 stars). 3 submissions from 3 submitters: Benign (2); Likely benign (1). Last evaluated 2026-06-01.

Allele frequency attached by ClinVar (database versions not stated): 1000 Genomes Project 0.00120; 1000 Genomes Project 30x 0.00172; TOPMed 0.00274; gnomAD exomes 0.00282 and 0.00351; ExAC 0.00293; gnomAD 0.00293 and 0.00298; ESP Exome Variant Server 0.00377.
gnomAD v4.1: 5,532 of 1,613,810 alleles (0.34%); highest among the groups gnomAD compares: Non-Finnish European, 0.41%; 17 homozygotes.

Submissions (3):

CeGaT Center for Human Genetics Tuebingen
Classification: Likely benign. Last evaluated: 2026-06-01. Review status: criteria provided, single submitter. Criteria: CeGaT Center For Human Genetics Tuebingen Variant Classification Criteria Version 2. Collection method: clinical testing. Allele origin: germline. Affected: yes. Observed: 10 variant alleles.
Comment: XRCC1: BP4, BS2

Labcorp Genetics (formerly Invitae), Labcorp
Classification: Benign. Last evaluated: 2019-12-31. Review status: criteria provided, single submitter. Criteria: Invitae Variant Classification Sherloc (09022015). Collection method: clinical testing. Allele origin: germline.

Breakthrough Genomics
Classification: Benign. Review status: criteria provided, single submitter. Criteria: ACMG Guidelines, 2015. Collection method: not provided. Allele origin: germline. Inheritance: Autosomal recessive inheritance. Affected: yes.

NM_006297.3(XRCC1):c.150G>A (p.Glu50=)

Gene: XRCC1 (X-ray repair cross complementing 1; minus strand). Cytogenetic location: 19q13.31.
Variant type: single nucleotide variant.
Coding change: c.150G>A on transcript NM_006297.3 (MANE Select); coding-DNA position 150, G replaced by A.
Protein change: p.Glu50=; no amino-acid change (glutamic acid 50 retained).
Molecular consequence: synonymous variant.
Genome position (GRCh38, 1-based): chr19:43,561,015, C>T on the plus strand (G>A on the coding strand, the complement: XRCC1 is on the minus strand). VCF-style: chr19-43561015-C-T. GRCh37 (hg19) VCF-style: chr19-44065167-C-T.
Identifiers: ClinVar variation 710384 (VCV000710384.34), dbSNP rs2307174, ClinGen allele CA9488887.